The following is an entry in ClinVar:

NM_001165963.4(SCN1A):c.1206T>A (p.Phe402Leu)

Gene: SCN1A (sodium voltage-gated channel alpha subunit 1; minus strand). Cytogenetic location: 2q24.3.
Variant type: single nucleotide variant.
Coding change: c.1206T>A on transcript NM_001165963.4 (MANE Select); coding-DNA position 1206, T replaced by A.
Protein change: p.Phe402Leu; replaces phenylalanine 402 with leucine.
Molecular consequence: missense variant. On other transcripts: 5 prime UTR variant (1), non-coding transcript variant (1).
Genome position (GRCh38, 1-based): chr2:166,046,941, A>T on the plus strand (T>A on the coding strand, the complement: SCN1A is on the minus strand). VCF-style: chr2-166046941-A-T. GRCh37 (hg19) VCF-style: chr2-166903451-A-T.
Other names: c.1206T>A, p.Phe402Leu (NM_001165964.3, NM_001202435.3, NM_001353948.2 and 10 more transcripts); c.-1220T>A (NM_001353961.2); short protein forms F402L.
Identifiers: ClinVar variation 2846673 (VCV002846673.3), dbSNP rs2468182211, ClinGen allele CA349070982.

ClinVar aggregate classification (germline): Pathogenic (1 of 4 stars; one submission).

Conditions:
Early-infantile DEE. Also called: Early infantile epileptic encephalopathy; Early infantile epileptic encephalopathy with suppression bursts; Ohtahara syndrome. Identifiers: Orphanet 1934, MedGen C0393706, MONDO:0800491.

Submission:

Labcorp Genetics (formerly Invitae), Labcorp
Classification: Pathogenic for Early-infantile DEE. Last evaluated: 2024-05-13. Review status: criteria provided, single submitter. Criteria: Invitae Variant Classification Sherloc (09022015). Collection method: clinical testing. Allele origin: germline.
Comment: This sequence change replaces phenylalanine, which is neutral and non-polar, with leucine, which is neutral and non-polar, at codon 402 of the SCN1A protein (p.Phe402Leu). This variant is not present in population databases (gnomAD no frequency). This missense change has been observed in individual(s) with clinical features of complex febrile seizures and/or epilepsy (PMID: 28837158; Invitae). In at least one individual the variant was observed to be de novo. Advanced modeling of protein sequence and biophysical properties (such as structural, functional, and spatial information, amino acid conservation, physicochemical variation, residue mobility, and thermodynamic stability) performed at Invitae indicates that this missense variant is expected to disrupt SCN1A protein function with a positive predictive value of 95%. For these reasons, this variant has been classified as Pathogenic.

Literature cited by the submitters: PubMed 28837158.